The following is an entry in ClinVar:

ClinVar aggregate classification (germline): Uncertain significance (1 of 4 stars; one submission).

Conditions:
POLD1-related polyposis and colorectal cancer syndrome (CRCS10). Also called: Colorectal cancer 10; COLORECTAL CANCER, SUSCEPTIBILITY TO, ON CHROMOSOME 19q; Colorectal cancer, susceptibility to, 10. Identifiers: Orphanet 220460, MedGen C2675481, MONDO:0012953, OMIM 612591.

Submission:

Labcorp Genetics (formerly Invitae), Labcorp
Classification: Uncertain significance for POLD1-related polyposis and colorectal cancer syndrome. Last evaluated: 2022-01-03. Review status: criteria provided, single submitter. Criteria: Invitae Variant Classification Sherloc (09022015). Collection method: clinical testing. Allele origin: germline.
Comment: In summary, the available evidence is currently insufficient to determine the role of this variant in disease. Therefore, it has been classified as a Variant of Uncertain Significance. Variants that disrupt the consensus splice site are a relatively common cause of aberrant splicing (PMID: 17576681, 9536098). Algorithms developed to predict the effect of sequence changes on RNA splicing suggest that this variant is not likely to affect RNA splicing. This variant has not been reported in the literature in individuals affected with POLD1-related conditions. This variant is not present in population databases (gnomAD no frequency). This sequence change falls in intron 2 of the POLD1 gene. It does not directly change the encoded amino acid sequence of the POLD1 protein. It affects a nucleotide within the consensus splice site.

Literature cited by the submitters: PubMed 17576681; PubMed 9536098.

NM_002691.4(POLD1):c.202+4A>C

Gene: POLD1 (DNA polymerase delta 1, catalytic subunit; plus strand). Cytogenetic location: 19q13.33.
Variant type: single nucleotide variant.
Coding change: c.202+4A>C on transcript NM_002691.4 (MANE Select); 4 bases into the intron after coding-DNA position 202, A replaced by C.
Molecular consequence: intron variant.
Genome position (GRCh38, 1-based): chr19:50,399,057, A>C. VCF-style: chr19-50399057-A-C. GRCh37 (hg19) VCF-style: chr19-50902314-A-C.
Other names: c.202+4A>C (NM_001256849.1, NM_001308632.1).
Identifiers: ClinVar variation 2071861 (VCV002071861.4), dbSNP rs2513933977, ClinGen allele CA2580097608.